The following is an entry in ClinVar:

ClinVar aggregate classification (germline): Uncertain significance. Review status: criteria provided, multiple submitters, no conflicts (2 of 4 stars). 2 submissions from 2 submitters: Uncertain significance (2). Last evaluated 2024-12-05.

Conditions:
Peroxisome biogenesis disorder, complementation group 7 (CG7). Also called: Peroxisome biogenesis disorder, complementation group B. Identifiers: MedGen C1864399.

Submissions (2):

Labcorp Genetics (formerly Invitae), Labcorp
Classification: Uncertain significance for Peroxisome biogenesis disorder, complementation group 7. Last evaluated: 2024-12-05. Review status: criteria provided, single submitter. Criteria: Invitae Variant Classification Sherloc (09022015). Collection method: clinical testing. Allele origin: germline.
Comment: This sequence change replaces threonine, which is neutral and polar, with methionine, which is neutral and non-polar, at codon 97 of the PEX10 protein (p.Thr97Met). The frequency data for this variant in the population databases is considered unreliable, as metrics indicate poor data quality at this position in the gnomAD database. This variant has not been reported in the literature in individuals affected with PEX10-related conditions. ClinVar contains an entry for this variant (Variation ID: 291010). An algorithm developed to predict the effect of missense changes on protein structure and function (PolyPhen-2) suggests that this variant¬†is likely to be tolerated. In summary, the available evidence is currently insufficient to determine the role of this variant in disease. Therefore, it has been classified as a Variant of Uncertain Significance.

Eurofins Ntd Llc (ga)
Classification: Uncertain significance. Last evaluated: 2016-09-09. Review status: criteria provided, single submitter. Criteria: EGL Classification Definitions 2015. Collection method: clinical testing. Allele origin: germline. Observed: 1 variant allele, 1 heterozygote.

NM_002617.4(PEX10):c.290_291inv (p.Thr97Met)

Gene: PEX10 (peroxisomal biogenesis factor 10; minus strand). Cytogenetic location: 1p36.32.
Variant type: Inversion.
Coding change: c.290_291inv on transcript NM_002617.4 (MANE Select).
Protein change: p.Thr97Met; replaces threonine 97 with methionine.
Molecular consequence: missense variant. On other transcripts: 5 prime UTR variant (2), non-coding transcript variant (1).
Genome position: GRCh38 VCF-style: chr1-2408761-TG-CA. GRCh37 (hg19) VCF-style: chr1-2340200-TG-CA.
Other names: c.290_291inv, p.Thr97Met (NM_001374425.1, NM_153818.2); c.-143_-142inv (NM_001374426.1, NM_001374427.1); short protein forms T97M.
Identifiers: ClinVar variation 291010 (VCV000291010.8), ClinGen allele CA10606984.
Genomic context (GRCh38, chr1:2,408,761, plus strand): 5'-CAGCTCCTGCTCCAGGGGGAGCAGGGCCTTGTCCAGCAGGTAGGGCAGGACGGCATGCAG[TG>CA]TCACCAGCACGCCACGGCGCAGCGAGGAGGGCACATGTATCCGCGATGGGTCCACCTGGA-3'
Protein context (NP_002608.1, residues 87-107): PSSLRRGVLV[Thr97Met]LHAVLPYLLD